The following is an entry in ClinVar:

NM_000156.6(GAMT):c.470_476del (p.Phe157fs)

Gene: GAMT (guanidinoacetate N-methyltransferase; minus strand). Cytogenetic location: 19p13.3.
Variant type: Deletion.
Coding change: c.470_476del on transcript NM_000156.6 (MANE Select); coding-DNA positions 470 to 476, 7 bases deleted (TTCGCCT; older notation c.470_476delTTCGCCT).
Protein change: p.Phe157fs; shifts the reading frame from phenylalanine 157.
Molecular consequence: frameshift variant.
Genome position (GRCh38, 1-based): chr19:1,399,010-1,399,016, AGGCGAA deleted on the plus strand (TTCGCCT on the coding strand, the reverse complement: GAMT is on the minus strand); deleting any 7 consecutive bases within chr19:1,399,010-1,399,021 gives the same sequence; the c. name uses the placement nearest the transcript's 3' end. VCF-style (leftmost placement, unchanged base first): chr19-1399009-CAGGCGAA-C. GRCh37 (hg19) VCF-style: chr19-1399008-CAGGCGAA-C.
Other names: c.470_476del, p.Phe157fs (NM_138924.3); short protein forms F157fs.
Identifiers: ClinVar variation 1452336 (VCV001452336.6), dbSNP rs2144636455, ClinGen allele CA2573155788.

ClinVar aggregate classification (germline): Pathogenic (1 of 4 stars; one submission).

Conditions:
Cerebral creatine deficiency syndrome. Also called: Creatine deficiency syndromes. Identifiers: Orphanet 79172, MedGen C5244016, MONDO:0000456.

Submission:

Labcorp Genetics (formerly Invitae), Labcorp
Classification: Pathogenic for Cerebral creatine deficiency syndrome. Last evaluated: 2023-11-13. Review status: criteria provided, single submitter. Criteria: Invitae Variant Classification Sherloc (09022015). Collection method: clinical testing. Allele origin: germline.
Comment: This sequence change creates a premature translational stop signal (p.Phe157Cysfs*2) in the GAMT gene. It is expected to result in an absent or disrupted protein product. Loss-of-function variants in GAMT are known to be pathogenic (PMID: 15108290). This variant is not present in population databases (gnomAD no frequency). This variant has not been reported in the literature in individuals affected with GAMT-related conditions. ClinVar contains an entry for this variant (Variation ID: 1452336). For these reasons, this variant has been classified as Pathogenic.

Literature cited by the submitters: PubMed 15108290.